The following is an entry in ClinVar:

NM_001042492.3(NF1):c.3610_3622del (p.Arg1204fs)

Gene: NF1 (neurofibromin 1; plus strand). Cytogenetic location: 17q11.2.
Variant type: Deletion.
Coding change: c.3610_3622del on transcript NM_001042492.3 (MANE Select); coding-DNA positions 3610 to 3622, 13 bases deleted (CGGTTTGAGAGAT).
Protein change: p.Arg1204fs; shifts the reading frame from arginine 1204.
Molecular consequence: frameshift variant.
Genome position (GRCh38, 1-based): chr17:31,233,115-31,233,127, CGGTTTGAGAGAT deleted; deleting any 13 consecutive bases within chr17:31,233,112-31,233,127 gives the same sequence; the c. name uses the placement nearest the transcript's 3' end. VCF-style (leftmost placement, unchanged base first): chr17-31233111-TGATCGGTTTGAGA-T. GRCh37 (hg19) VCF-style: chr17-29560129-TGATCGGTTTGAGA-T.
Other names: c.3610_3622delCGGTTTGAGAGAT, p.Arg1204Trpfs (NM_000267.4); short protein forms R1204fs.
Identifiers: ClinVar variation 3661196 (VCV003661196.2).

ClinVar aggregate classification (germline): Pathogenic (1 of 4 stars; one submission).

Conditions:
Neurofibromatosis, type 1 (NF1). Also called: Peripheral type neurofibromatosis; VON RECKLINGHAUSEN DISEASE; NEUROFIBROMATOSIS, TYPE I, SOMATIC; Neurofibromatosis, type I. Identifiers: Orphanet 636, MedGen C0027831, MONDO:0018975, OMIM 162200. Disease mechanism: loss of function.

Submission:

Labcorp Genetics (formerly Invitae), Labcorp
Classification: Pathogenic for Neurofibromatosis, type 1. Last evaluated: 2024-08-01. Review status: criteria provided, single submitter. Criteria: Invitae Variant Classification Sherloc (09022015). Collection method: clinical testing. Allele origin: germline.
Comment: This sequence change creates a premature translational stop signal (p.Arg1204Trpfs*7) in the NF1 gene. It is expected to result in an absent or disrupted protein product. Loss-of-function variants in NF1 are known to be pathogenic (PMID: 10712197, 23913538). This variant is not present in population databases (gnomAD no frequency). This variant has not been reported in the literature in individuals affected with NF1-related conditions. Algorithms developed to predict the effect of sequence changes on RNA splicing suggest that this variant may disrupt the consensus splice site. For these reasons, this variant has been classified as Pathogenic.

Literature cited by the submitters: PubMed 10712197; PubMed 23913538.